The following is an entry in ClinVar:

NM_001352754.2(ARMC9):c.360G>C (p.Glu120Asp)

Gene: ARMC9 (armadillo repeat containing 9; plus strand). Cytogenetic location: 2q37.1.
Variant type: single nucleotide variant.
Coding change: c.360G>C on transcript NM_001352754.2 (MANE Select); coding-DNA position 360, G replaced by C.
Protein change: p.Glu120Asp; replaces glutamic acid 120 with aspartic acid.
Molecular consequence: missense variant. On other transcripts: non-coding transcript variant (1).
Genome position (GRCh38, 1-based): chr2:231,216,649, G>C. VCF-style: chr2-231216649-G-C. GRCh37 (hg19) VCF-style: chr2-232081362-G-C.
Other names: c.360G>C, p.Glu120Asp (NM_001271466.4, NM_001291656.2, NM_001352755.2 and 5 more transcripts); short protein forms E120D.
Identifiers: ClinVar variation 955281 (VCV000955281.8), dbSNP rs371282155, ClinGen allele CA2159924.
Genomic context (GRCh38, chr2:231,216,649, plus strand): 5'-ACTGGGCATTGATCTGGAGACCTCAAACAAGTGTTTTCCCTTCTTCTAGGACAAAGAGGA[G>C]CTGGATGAAAAGATTTCCTACTTCAAAACCTACCTGGAGACCAAAGGGGCAGCCTTGAGC-3'
Protein context (NP_001339683.2, residues 110-130): KYSVGRPDKE[Glu120Asp]LDEKISYFKT

ClinVar aggregate classification (germline): Uncertain significance (1 of 4 stars; one submission).

Allele frequency attached by ClinVar (database versions not stated): TOPMed 0.00001; ExAC 0.00002; gnomAD exomes 0.00002; ESP Exome Variant Server 0.00008.
gnomAD v4.1: 18 of 1,613,510 alleles (0.0011%); highest among the groups gnomAD compares: Non-Finnish European, 0.0015%; no homozygotes.

Submission:

Labcorp Genetics (formerly Invitae), Labcorp
Classification: Uncertain significance. Last evaluated: 2019-10-22. Review status: criteria provided, single submitter. Criteria: Invitae Variant Classification Sherloc (09022015). Collection method: clinical testing. Allele origin: germline.
Comment: This sequence change replaces glutamic acid with aspartic acid at codon 120 of the ARMC9 protein (p.Glu120Asp). The glutamic acid residue is moderately conserved and there is a small physicochemical difference between glutamic acid and aspartic acid. This variant is present in population databases (rs371282155, ExAC 0.003%). This variant has not been reported in the literature in individuals with ARMC9-related conditions. Algorithms developed to predict the effect of missense changes on protein structure and function are either unavailable or do not agree on the potential impact of this missense change (SIFT: "Tolerated"; PolyPhen-2: "Not Available"; Align-GVGD: "Class C0"). In summary, the available evidence is currently insufficient to determine the role of this variant in disease. Therefore, it has been classified as a Variant of Uncertain Significance.